The following is an entry in ClinVar:

NM_000051.4(ATM):c.4636G>A (p.Val1546Met)

Gene: ATM (ATM serine/threonine kinase; plus strand). Cytogenetic location: 11q22.3.
Variant type: single nucleotide variant.
Coding change: c.4636G>A on transcript NM_000051.4 (MANE Select); coding-DNA position 4636, G replaced by A.
Protein change: p.Val1546Met; replaces valine 1546 with methionine.
Molecular consequence: missense variant.
Genome position (GRCh38, 1-based): chr11:108,293,337, G>A. VCF-style: chr11-108293337-G-A. GRCh37 (hg19) VCF-style: chr11-108164064-G-A.
Other names: c.4636G>A, p.Val1546Met (NM_001351834.2); short protein forms V1546M.
Identifiers: ClinVar variation 524380 (VCV000524380.12), dbSNP rs1305696123, ClinGen allele CA382534615.
Genomic context (GRCh38, chr11:108,293,337, plus strand): 5'-TCTCCTTATAATTTTTTCTTTTTAAATTATATTTAGGTATTGGACTTGTTGAAATACTTA[G>A]TGATAGATAACAAGGATAATGAAAACCTCTATATCACGATTAAGCTTTTAGATCCTTTTC-3'
Protein context (NP_000042.3, residues 1536-1556): KQVLDLLKYL[Val1546Met]IDNKDNENLY

ClinVar aggregate classification (germline): Uncertain significance. Review status: criteria provided, multiple submitters, no conflicts (2 of 4 stars). 2 submissions from 2 submitters: Uncertain significance (2). Last evaluated 2024-04-25.

Conditions:
Hereditary cancer-predisposing syndrome. Also called: Neoplastic Syndromes, Hereditary; Tumor predisposition; Hereditary Cancer Syndrome; Hereditary neoplastic syndrome. Identifiers: Orphanet 140162, MedGen C0027672, MeSH D009386, MONDO:0015356.
Ataxia-telangiectasia syndrome (AT). Also called: ATAXIA-TELANGIECTASIA, COMPLEMENTATION GROUP A; ATAXIA-TELANGIECTASIA, FRESNO VARIANT; Ataxia-telangiectasia; Ataxia-telangiectasia, complementation group D; AT, COMPLEMENTATION GROUP C; Ataxia-telangiectasia, complementation group E. Identifiers: Orphanet 100, MedGen C0004135, MONDO:0008840, OMIM 208900.

Allele frequency attached by ClinVar (database versions not stated): TOPMed 0.00002.
gnomAD v4.1: 7 of 1,567,962 alleles (0.00045%); highest among the groups gnomAD compares: Non-Finnish European, 0.00061%; no homozygotes.

Submissions (2):

Labcorp Genetics (formerly Invitae), Labcorp
Classification: Uncertain significance for Ataxia-telangiectasia syndrome. Last evaluated: 2024-04-25. Review status: criteria provided, single submitter. Criteria: Invitae Variant Classification Sherloc (09022015). Collection method: clinical testing. Allele origin: germline.
Comment: This sequence change replaces valine, which is neutral and non-polar, with methionine, which is neutral and non-polar, at codon 1546 of the ATM protein (p.Val1546Met). This variant is not present in population databases (gnomAD no frequency). This variant has not been reported in the literature in individuals affected with ATM-related conditions. ClinVar contains an entry for this variant (Variation ID: 524380). An algorithm developed to predict the effect of missense changes on protein structure and function (PolyPhen-2) suggests that this variant is likely to be disruptive. In summary, the available evidence is currently insufficient to determine the role of this variant in disease. Therefore, it has been classified as a Variant of Uncertain Significance.

Color Diagnostics, LLC DBA Color Health
Classification: Uncertain significance for Hereditary cancer-predisposing syndrome. Last evaluated: 2024-03-06. Review status: criteria provided, single submitter. Criteria: ACMG Guidelines, 2015. Collection method: clinical testing. Allele origin: germline.
Comment: This missense variant replaces valine with methionine at codon 1546 of the ATM protein. Computational prediction suggests that this variant may not impact protein structure and function (internally defined REVEL score threshold <= 0.5, PMID: 27666373). Splice site prediction tools suggest that this variant may not impact RNA splicing. To our knowledge, functional studies have not been performed for this variant. This variant has not been reported in individuals affected with hereditary cancer in the literature. This variant has not been identified in the general population by the Genome Aggregation Database (gnomAD). The available evidence is insufficient to determine the role of this variant in disease conclusively. Therefore, this variant is classified as a Variant of Uncertain Significance.